The following is an entry in ClinVar:

ClinVar aggregate classification (germline): Uncertain significance (1 of 4 stars; one submission).

gnomAD v4.1: 1 of 1,612,860 alleles (0.000062%); highest among the groups gnomAD compares: African/African-American, 0.0013%; no homozygotes.

Submission:

Mayo Clinic Laboratories, Mayo Clinic
Classification: Uncertain significance. Last evaluated: 2025-01-15. Review status: criteria provided, single submitter. Criteria: ACMG Guidelines, 2015. Collection method: clinical testing. Allele origin: germline. Observed: 1 variant allele.
Comment: PM2_supporting

NM_000393.5(COL5A2):c.976A>C (p.Thr326Pro)

Gene: COL5A2 (collagen type V alpha 2 chain; minus strand). Cytogenetic location: 2q32.2.
Variant type: single nucleotide variant.
Coding change: c.976A>C on transcript NM_000393.5 (MANE Select); coding-DNA position 976, A replaced by C.
Protein change: p.Thr326Pro; replaces threonine 326 with proline.
Molecular consequence: missense variant.
Genome position (GRCh38, 1-based): chr2:189,079,092, T>G on the plus strand (A>C on the coding strand, the complement: COL5A2 is on the minus strand). VCF-style: chr2-189079092-T-G. GRCh37 (hg19) VCF-style: chr2-189943818-T-G.
Other names: p.Thr326Pro; short protein forms T326P.
Identifiers: ClinVar variation 4540788 (VCV004540788.1).